The following is an entry in ClinVar:

NM_000642.3(AGL):c.1423+1G>C

Gene: AGL (amylo-alpha-1,6-glucosidase and 4-alpha-glucanotransferase; plus strand). Cytogenetic location: 1p21.2.
Variant type: single nucleotide variant.
Coding change: c.1423+1G>C on transcript NM_000642.3 (MANE Select); the canonical splice donor site of the intron after coding-DNA position 1423, G replaced by C.
Molecular consequence: splice donor variant.
Genome position (GRCh38, 1-based): chr1:99,876,598, G>C. VCF-style: chr1-99876598-G-C. GRCh37 (hg19) VCF-style: chr1-100342154-G-C.
Other names: c.1423+1G>C (NM_000643.3, NM_000644.3, NM_001425326.1 and 2 more transcripts); c.1375+1G>C (NM_000646.3); c.1222+1G>C (NM_001425327.1); c.1219+1G>C (NM_001425328.1, NM_001425329.1); c.1045+1G>C (NM_001425332.1).
Identifiers: ClinVar variation 841722 (VCV000841722.15), dbSNP rs751952198, ClinGen allele CA966483.
Genomic context (GRCh38, chr1:99,876,598, plus strand): 5'-TGATGGCACACAATGGATGGGTAATGGGAGATGATCCTCTTCGAAACTTTGCTGAACCGG[G>C]TATGTAATTTTTAACTTCTCTGTGGATGGGGAAAGAATAGTTCATGGCAAGGTCAAAATA-3'

ClinVar aggregate classification (germline): Pathogenic. Review status: criteria provided, multiple submitters, no conflicts (2 of 4 stars). 4 submissions from 4 submitters: Pathogenic (4). Last evaluated 2025-08-03.

Conditions:
Glycogen storage disease type III (GSD3). Also called: Cori disease; FORBES DISEASE. Identifiers: Orphanet 366, MedGen C0017922, MONDO:0009291, OMIM 232400.

Allele frequency attached by ClinVar (database versions not stated): gnomAD exomes below 0.00001; ExAC 0.00001.

Submissions (4):

Labcorp Genetics (formerly Invitae), Labcorp
Classification: Pathogenic for Glycogen storage disease type III. Last evaluated: 2025-08-03. Review status: criteria provided, single submitter. Criteria: Invitae Variant Classification Sherloc (09022015). Collection method: clinical testing. Allele origin: germline.
Comment: This sequence change affects a donor splice site in intron 11 of the AGL gene. It is expected to disrupt RNA splicing. Variants that disrupt the donor or acceptor splice site typically lead to a loss of protein function (PMID: 16199547), and loss-of-function variants in AGL are known to be pathogenic (PMID: 19299494). This variant is present in population databases (rs751952198, gnomAD 0.003%). Disruption of this splice site has been observed in individuals with glycogen storage disease, type III (PMID: 26913919, 26984562). ClinVar contains an entry for this variant (Variation ID: 841722). Algorithms developed to predict the effect of sequence changes on RNA splicing suggest that this variant may disrupt the consensus splice site. For these reasons, this variant has been classified as Pathogenic.

Genome-Nilou Lab
Classification: Pathogenic for Glycogen storage disease type III. Last evaluated: 2021-07-15. Review status: criteria provided, single submitter. Criteria: ACMG Guidelines, 2015. Collection method: clinical testing. Allele origin: germline. Affected: no.

Centre for Human Genetics
Classification: Pathogenic for Glycogen storage disease type III. Last evaluated: 2020-09-01. Review status: criteria provided, single submitter. Criteria: ACMG Guidelines, 2015. Collection method: clinical testing. Allele origin: inherited. Inheritance: Autosomal recessive inheritance. Affected: yes. Observed: 1 variant allele.
Comment: disease causing

Juno Genomics, Hangzhou Juno Genomics, Inc
Classification: Pathogenic for Glycogen storage disease type III. Review status: criteria provided, single submitter. Criteria: ACMG Guidelines, 2015. Collection method: clinical testing. Allele origin: germline.
Comment: Absent from controls (or at extremely low frequency if recessive) in Genome Aggregation Database.;Null variant in a gene where loss of function (LOF) is a known mechanism of disease.;Same amino acid change as a previously established pathogenic variant regardless of nucleotide change.

Literature cited by the submitters: PubMed 16199547 (cited by Labcorp Genetics (formerly Invitae), Labcorp); PubMed 19299494 (cited by Labcorp Genetics (formerly Invitae), Labcorp); PubMed 26913919 (cited by Labcorp Genetics (formerly Invitae), Labcorp); PubMed 26984562 (cited by Labcorp Genetics (formerly Invitae), Labcorp).